The following is an entry in ClinVar:

NM_005535.3(IL12RB1):c.1534G>A (p.Ala512Thr)

Gene: IL12RB1 (interleukin 12 receptor subunit beta 1; minus strand). Cytogenetic location: 19p13.11.
Variant type: single nucleotide variant.
Coding change: c.1534G>A on transcript NM_005535.3 (MANE Select); coding-DNA position 1534, G replaced by A.
Protein change: p.Ala512Thr; replaces alanine 512 with threonine.
Molecular consequence: missense variant.
Genome position (GRCh38, 1-based): chr19:18,063,960, C>T on the plus strand (G>A on the coding strand, the complement: IL12RB1 is on the minus strand). VCF-style: chr19-18063960-C-T. GRCh37 (hg19) VCF-style: chr19-18174770-C-T.
Other names: c.1534G>A, p.Ala512Thr (NM_001290023.2); c.1654G>A, p.Ala552Thr (NM_001290024.2); short protein forms A552T, A512T.
Identifiers: ClinVar variation 2131118 (VCV002131118.4), dbSNP rs2514928715, ClinGen allele CA404776409.

ClinVar aggregate classification (germline): Uncertain significance (1 of 4 stars; one submission).

Conditions:
Mendelian susceptibility to mycobacterial diseases due to complete IL12RB1 deficiency. Also called: IL12RB1 DEFICIENCY; Immunodeficiency 30. Identifiers: Orphanet 319552, MedGen C4013949, MONDO:0013955, OMIM 614891.

Allele frequency attached by ClinVar (database versions not stated): gnomAD exomes below 0.00001.
gnomAD v4.1: 1 of 1,612,872 alleles (0.000062%); highest among the groups gnomAD compares: South Asian, 0.0011%; no homozygotes.

Submission:

Labcorp Genetics (formerly Invitae), Labcorp
Classification: Uncertain significance for Mendelian susceptibility to mycobacterial diseases due to complete IL12RB1 deficiency. Last evaluated: 2022-04-28. Review status: criteria provided, single submitter. Criteria: Invitae Variant Classification Sherloc (09022015). Collection method: clinical testing. Allele origin: germline.
Comment: This variant is not present in population databases (gnomAD no frequency). This variant has not been reported in the literature in individuals affected with IL12RB1-related conditions. Algorithms developed to predict the effect of missense changes on protein structure and function are either unavailable or do not agree on the potential impact of this missense change (SIFT: "Tolerated"; PolyPhen-2: "Possibly Damaging"; Align-GVGD: "Class C0"). In summary, the available evidence is currently insufficient to determine the role of this variant in disease. Therefore, it has been classified as a Variant of Uncertain Significance. This sequence change replaces alanine, which is neutral and non-polar, with threonine, which is neutral and polar, at codon 512 of the IL12RB1 protein (p.Ala512Thr).